The following is an entry in ClinVar:

ClinVar aggregate classification (germline): Likely benign. Review status: criteria provided, multiple submitters, no conflicts (2 of 4 stars). 5 submissions from 5 submitters: Likely benign (4). 1 of the submissions does not count toward it. Last evaluated 2024-11-25.

Conditions:
CIDEC-related disorder. Also called: CIDEC-related condition.

Allele frequency attached by ClinVar (database versions not stated): ESP Exome Variant Server 0.00071; 1000 Genomes Project 0.00080; 1000 Genomes Project 30x 0.00094; ExAC 0.00106; TOPMed 0.00160; gnomAD 0.00170 and 0.00177; gnomAD exomes 0.00177.

Submissions (5):

Blueprint Genetics
Classification: Likely benign. Last evaluated: 2024-11-25. Review status: criteria provided, single submitter. Criteria: ACMG Guidelines, 2015. Collection method: clinical testing. Allele origin: germline.

Genetic Services Laboratory, University of Chicago
Classification: Likely benign. Last evaluated: 2021-05-23. Review status: criteria provided, single submitter. Criteria: ACMG Guidelines, 2015. Collection method: clinical testing. Allele origin: germline. Affected: no.

Labcorp Genetics (formerly Invitae), Labcorp
Classification: Likely benign. Last evaluated: 2019-12-31. Review status: criteria provided, single submitter. Criteria: Invitae Variant Classification Sherloc (09022015). Collection method: clinical testing. Allele origin: germline.

Breakthrough Genomics
Classification: Likely benign. Review status: criteria provided, single submitter. Criteria: ACMG Guidelines, 2015. Collection method: not provided. Allele origin: germline. Inheritance: Autosomal recessive inheritance. Affected: yes.

PreventionGenetics, part of Exact Sciences
Classification: Likely benign for CIDEC-related condition. Last evaluated: 2024-03-07. Review status: no assertion criteria provided. Collection method: clinical testing. Allele origin: germline. Not counted in ClinVar's aggregate classification.
Comment: This variant is classified as likely benign based on ACMG/AMP sequence variant interpretation guidelines (Richards et al. 2015 PMID: 25741868, with internal and published modifications).

NM_001321142.2(CIDEC):c.139G>A (p.Val47Ile)

Gene: CIDEC (cell death inducing DFFA like effector c; minus strand). Cytogenetic location: 3p25.3.
Variant type: single nucleotide variant.
Coding change: c.139G>A on transcript NM_001321142.2 (MANE Select); coding-DNA position 139, G replaced by A.
Protein change: p.Val47Ile; replaces valine 47 with isoleucine.
Molecular consequence: missense variant. On other transcripts: intron variant (2).
Genome position (GRCh38, 1-based): chr3:9,877,134, C>T on the plus strand (G>A on the coding strand, the complement: CIDEC is on the minus strand). VCF-style: chr3-9877134-C-T. GRCh37 (hg19) VCF-style: chr3-9918818-C-T.
Other names: c.139G>A, p.Val47Ile (NM_022094.3, NM_001199551.2, NM_001199552.2 and 1 more transcripts); c.178G>A, p.Val60Ile (NM_001199623.2); c.-16+1300G>A (NM_001321144.2, NM_001321143.2); short protein forms V60I, V47I.
Identifiers: ClinVar variation 713341 (VCV000713341.11), dbSNP rs150971509, ClinGen allele CA2245713.